The following is an entry in ClinVar:

ClinVar aggregate classification (germline): Uncertain significance. Review status: criteria provided, multiple submitters, no conflicts (2 of 4 stars). 2 submissions from 2 submitters: Uncertain significance (2). Last evaluated 2024-06-16.

Conditions:
Hereditary cancer-predisposing syndrome. Also called: Tumor predisposition; Hereditary neoplastic syndrome; Hereditary Cancer Syndrome; Neoplastic Syndromes, Hereditary. Identifiers: Orphanet 140162, MedGen C0027672, MeSH D009386, MONDO:0015356.

gnomAD v4.1: 1 of 1,613,588 alleles (0.000062%); highest among the groups gnomAD compares: Non-Finnish European, 0.000085%; no homozygotes.

Submissions (2):

Labcorp Genetics (formerly Invitae), Labcorp
Classification: Uncertain significance. Last evaluated: 2024-06-16. Review status: criteria provided, single submitter. Criteria: Invitae Variant Classification Sherloc (09022015). Collection method: clinical testing. Allele origin: germline.
Comment: This sequence change replaces lysine, which is basic and polar, with asparagine, which is neutral and polar, at codon 578 of the MSH3 protein (p.Lys578Asn). This variant is not present in population databases (gnomAD no frequency). This variant has not been reported in the literature in individuals affected with MSH3-related conditions. ClinVar contains an entry for this variant (Variation ID: 1053640). An algorithm developed to predict the effect of missense changes on protein structure and function (PolyPhen-2) suggests that this variant is likely to be tolerated. In summary, the available evidence is currently insufficient to determine the role of this variant in disease. Therefore, it has been classified as a Variant of Uncertain Significance.

Ambry Genetics
Classification: Uncertain significance for Hereditary cancer-predisposing syndrome. Last evaluated: 2021-02-03. Review status: criteria provided, single submitter. Criteria: Ambry Variant Classification Scheme 2023. Collection method: clinical testing. Allele origin: germline.
Comment: The p.K578N variant (also known as c.1734G>T), located in coding exon 12 of the MSH3 gene, results from a G to T substitution at nucleotide position 1734. The lysine at codon 578 is replaced by asparagine, an amino acid with similar properties. This amino acid position is well conserved in available vertebrate species. In addition, this alteration is predicted to be tolerated by in silico analysis. Since supporting evidence is limited at this time, the clinical significance of this alteration remains unclear.

NM_002439.5(MSH3):c.1734G>T (p.Lys578Asn)

Gene: MSH3 (mutS homolog 3; plus strand). Cytogenetic location: 5q14.1.
Variant type: single nucleotide variant.
Coding change: c.1734G>T on transcript NM_002439.5 (MANE Select); coding-DNA position 1734, G replaced by T.
Protein change: p.Lys578Asn; replaces lysine 578 with asparagine.
Molecular consequence: missense variant.
Genome position (GRCh38, 1-based): chr5:80,744,586, G>T. VCF-style: chr5-80744586-G-T. GRCh37 (hg19) VCF-style: chr5-80040405-G-T.
Other names: short protein forms K578N.
Identifiers: ClinVar variation 1053640 (VCV001053640.11), dbSNP rs1580599441, ClinGen allele CA360274792.